The following is an entry in ClinVar:

NM_205834.4(LSR):c.631+4C>T

Gene: LSR (lipolysis stimulated lipoprotein receptor; plus strand). Cytogenetic location: 19q13.12.
Variant type: single nucleotide variant.
Coding change: c.631+4C>T on transcript NM_205834.4 (MANE Select); 4 bases into the intron after coding-DNA position 631, C replaced by T.
Molecular consequence: intron variant.
Genome position (GRCh38, 1-based): chr19:35,261,985, C>T. VCF-style: chr19-35261985-C-T. GRCh37 (hg19) VCF-style: chr19-35752888-C-T.
Other names: c.575-561C>T (NM_015925.7, NM_001260489.2); c.574+2921C>T (NM_205835.4, NM_001385215.1); c.455-4374C>T (NM_001260490.2).
Identifiers: ClinVar variation 4695649 (VCV004695649.1).

ClinVar aggregate classification (germline): Uncertain significance (1 of 4 stars; one submission).

Submission:

Labcorp Genetics (formerly Invitae), Labcorp
Classification: Uncertain significance. Last evaluated: 2025-03-26. Review status: criteria provided, single submitter. Criteria: Invitae Variant Classification Sherloc (09022015). Collection method: clinical testing. Allele origin: germline.
Comment: This sequence change falls in intron 4 of the LSR gene. It does not directly change the encoded amino acid sequence of the LSR protein. It affects a nucleotide within the consensus splice site. The frequency data for this variant in the population databases is considered unreliable, as metrics indicate poor data quality at this position in the gnomAD database. This variant has not been reported in the literature in individuals affected with LSR-related conditions. Variants that disrupt the consensus splice site are a relatively common cause of aberrant splicing (PMID: 17576681, 9536098). Algorithms developed to predict the effect of sequence changes on RNA splicing suggest that this variant is not likely to affect RNA splicing. In summary, the available evidence is currently insufficient to determine the role of this variant in disease. Therefore, it has been classified as a Variant of Uncertain Significance.

Literature cited by the submitters: PubMed 17576681; PubMed 9536098.